The following is an entry in ClinVar:

ClinVar aggregate classification (germline): Uncertain significance (1 of 4 stars; one submission).

Conditions:
Charcot-Marie-Tooth disease axonal type 2C (HMSN2C). Also called: Charcot-Marie-Tooth Disease Type 2, TRPV4-Related (CMT2C); CHARCOT-MARIE-TOOTH DISEASE, AXONAL, AUTOSOMAL DOMINANT, TYPE 2C; Charcot-Marie-Tooth Neuropathy Type 2C. Identifiers: Orphanet 99937, MedGen C1853710, MONDO:0011633, OMIM 606071.

Allele frequency attached by ClinVar (database versions not stated): gnomAD 0.00001; gnomAD exomes 0.00001; TOPMed 0.00001.

Submission:

Labcorp Genetics (formerly Invitae), Labcorp
Classification: Uncertain significance for Charcot-Marie-Tooth disease axonal type 2C. Last evaluated: 2025-08-14. Review status: criteria provided, single submitter. Criteria: Invitae Variant Classification Sherloc (09022015). Collection method: clinical testing. Allele origin: germline.
Comment: This sequence change replaces glycine, which is neutral and non-polar, with cysteine, which is neutral and slightly polar, at codon 7 of the TRPV4 protein (p.Gly7Cys). The frequency data for this variant in the population databases is considered unreliable, as metrics indicate poor data quality at this position in the gnomAD database. This variant has not been reported in the literature in individuals affected with TRPV4-related conditions. ClinVar contains an entry for this variant (Variation ID: 1038919). Invitae Evidence Modeling of protein sequence and biophysical properties (such as structural, functional, and spatial information, amino acid conservation, physicochemical variation, residue mobility, and thermodynamic stability) indicates that this missense variant is not expected to disrupt TRPV4 protein function with a negative predictive value of 95%. In summary, the available evidence is currently insufficient to determine the role of this variant in disease. Therefore, it has been classified as a Variant of Uncertain Significance.

NM_021625.5(TRPV4):c.19G>T (p.Gly7Cys)

Gene: TRPV4 (transient receptor potential cation channel subfamily V member 4; minus strand). Cytogenetic location: 12q24.11.
Variant type: single nucleotide variant.
Coding change: c.19G>T on transcript NM_021625.5 (MANE Select); coding-DNA position 19, G replaced by T.
Protein change: p.Gly7Cys; replaces glycine 7 with cysteine.
Molecular consequence: missense variant.
Genome position (GRCh38, 1-based): chr12:109,814,778, C>A on the plus strand (G>T on the coding strand, the complement: TRPV4 is on the minus strand). VCF-style: chr12-109814778-C-A. GRCh37 (hg19) VCF-style: chr12-110252583-C-A.
Other names: c.19G>T, p.Gly7Cys (NM_001177428.2, NM_001177431.2, NM_001177433.2 and 1 more transcripts); short protein forms G7C.
Identifiers: ClinVar variation 1038919 (VCV001038919.6), dbSNP rs1258802633, ClinGen allele CA386661243.